The following is an entry in ClinVar:

NM_004304.5(ALK):c.841C>A (p.His281Asn)

Gene: ALK (ALK receptor tyrosine kinase; minus strand). Cytogenetic location: 2p23.2.
Variant type: single nucleotide variant.
Coding change: c.841C>A on transcript NM_004304.5 (MANE Select); coding-DNA position 841, C replaced by A.
Protein change: p.His281Asn; replaces histidine 281 with asparagine.
Molecular consequence: missense variant.
Genome position (GRCh38, 1-based): chr2:29,694,961, G>T on the plus strand (C>A on the coding strand, the complement: ALK is on the minus strand). VCF-style: chr2-29694961-G-T. GRCh37 (hg19) VCF-style: chr2-29917827-G-T.
Other names: short protein forms H281N.
Identifiers: ClinVar variation 3523152 (VCV003523152.1).

ClinVar aggregate classification (germline): Uncertain significance (1 of 4 stars; one submission).

Conditions:
Hereditary cancer-predisposing syndrome. Also called: Hereditary Cancer Syndrome; Hereditary neoplastic syndrome; Tumor predisposition; Neoplastic Syndromes, Hereditary. Identifiers: Orphanet 140162, MedGen C0027672, MeSH D009386, MONDO:0015356.

Submission:

Ambry Genetics
Classification: Uncertain significance for Hereditary cancer-predisposing syndrome. Last evaluated: 2024-11-12. Review status: criteria provided, single submitter. Criteria: Ambry Variant Classification Scheme 2023. Collection method: clinical testing. Allele origin: germline.
Comment: The p.H281N variant (also known as c.841C>A), located in coding exon 3 of the ALK gene, results from a C to A substitution at nucleotide position 841. The histidine at codon 281 is replaced by asparagine, an amino acid with similar properties. This amino acid position is conserved. In addition, this alteration is predicted to be tolerated by in silico analysis. Based on the available evidence, the clinical significance of this variant remains unclear.